The following is an entry in ClinVar:

ClinVar aggregate classification (germline): Uncertain significance. Review status: criteria provided, multiple submitters, no conflicts (2 of 4 stars). 2 submissions from 2 submitters: Uncertain significance (2). Last evaluated 2026-01-12.

Allele frequency attached by ClinVar (database versions not stated): ExAC 0.00002; TOPMed 0.00002; gnomAD 0.00004; 1000 Genomes Project 30x 0.00016; 1000 Genomes Project 0.00020.
gnomAD v4.1: 34 of 1,613,994 alleles (0.0021%); highest among the groups gnomAD compares: East Asian, 0.013%; no homozygotes.

Submissions (2):

Labcorp Genetics (formerly Invitae), Labcorp
Classification: Uncertain significance. Last evaluated: 2026-01-12. Review status: criteria provided, single submitter. Criteria: Invitae Variant Classification Sherloc (09022015). Collection method: clinical testing. Allele origin: germline.
Comment: This sequence change replaces valine, which is neutral and non-polar, with isoleucine, which is neutral and non-polar, at codon 424 of the POC5 protein (p.Val424Ile). This variant is present in population databases (rs547644586, gnomAD 0.009%). This variant has not been reported in the literature in individuals affected with POC5-related conditions. ClinVar contains an entry for this variant (Variation ID: 1430728). An algorithm developed to predict the effect of missense changes on protein structure and function (PolyPhen-2) suggests that this variant is likely to be tolerated. In summary, the available evidence is currently insufficient to determine the role of this variant in disease. Therefore, it has been classified as a Variant of Uncertain Significance.

Ambry Genetics
Classification: Uncertain significance. Last evaluated: 2025-06-12. Review status: criteria provided, single submitter. Criteria: Ambry Variant Classification Scheme 2023. Collection method: clinical testing. Allele origin: germline.

NM_001099271.2(POC5):c.1270G>A (p.Val424Ile)

Gene: POC5 (POC5 centriolar protein; minus strand). Cytogenetic location: 5q13.3.
Variant type: single nucleotide variant.
Coding change: c.1270G>A on transcript NM_001099271.2 (MANE Select); coding-DNA position 1270, G replaced by A.
Protein change: p.Val424Ile; replaces valine 424 with isoleucine.
Molecular consequence: missense variant.
Genome position (GRCh38, 1-based): chr5:75,685,344, C>T on the plus strand (G>A on the coding strand, the complement: POC5 is on the minus strand). VCF-style: chr5-75685344-C-T. GRCh37 (hg19) VCF-style: chr5-74981169-C-T.
Other names: c.1195G>A, p.Val399Ile (NM_152408.3); c.1270G>A (NM_001099271.1); short protein forms V399I, V424I.
Identifiers: ClinVar variation 1430728 (VCV001430728.8), dbSNP rs547644586, ClinGen allele CA3310359.